The following is an entry in ClinVar:

ClinVar aggregate classification (germline): Uncertain significance (1 of 4 stars; one submission).

Conditions:
Charcot-Marie-Tooth disease type 4. Also called: Charcot-Marie-Tooth, Type 4; Charcot-Marie-Tooth disease, type IV. Identifiers: Orphanet 64749, MedGen C4082197, MONDO:0018995.

Allele frequency attached by ClinVar (database versions not stated): gnomAD 0.00001; TOPMed 0.00001.
gnomAD v4.1: 1 of 1,613,264 alleles (0.000062%); highest among the groups gnomAD compares: Non-Finnish European, 0.000085%; no homozygotes.

Submission:

Labcorp Genetics (formerly Invitae), Labcorp
Classification: Uncertain significance for Charcot-Marie-Tooth disease type 4. Last evaluated: 2023-10-13. Review status: criteria provided, single submitter. Criteria: Invitae Variant Classification Sherloc (09022015). Collection method: clinical testing. Allele origin: germline.
Comment: This sequence change replaces proline, which is neutral and non-polar, with serine, which is neutral and polar, at codon 1093 of the SBF2 protein (p.Pro1093Ser). This variant is not present in population databases (gnomAD no frequency). This variant has not been reported in the literature in individuals affected with SBF2-related conditions. ClinVar contains an entry for this variant (Variation ID: 1408893). Advanced modeling of protein sequence and biophysical properties (such as structural, functional, and spatial information, amino acid conservation, physicochemical variation, residue mobility, and thermodynamic stability) performed at Invitae indicates that this missense variant is not expected to disrupt SBF2 protein function. In summary, the available evidence is currently insufficient to determine the role of this variant in disease. Therefore, it has been classified as a Variant of Uncertain Significance.

NM_030962.4(SBF2):c.3277C>T (p.Pro1093Ser)

Genes: SBF2 (SET binding factor 2; minus strand), LOC101928008 (uncharacterized LOC101928008; plus strand). Cytogenetic location: 11p15.4.
Variant type: single nucleotide variant.
Coding change: c.3277C>T on transcript NM_030962.4 (MANE Select); coding-DNA position 3277, C replaced by T.
Protein change: p.Pro1093Ser; replaces proline 1093 with serine.
Molecular consequence: missense variant.
Genome position (GRCh38, 1-based): chr11:9,839,676, G>A on the plus strand (C>T on the coding strand, the complement: SBF2 is on the minus strand). VCF-style: chr11-9839676-G-A. GRCh37 (hg19) VCF-style: chr11-9861223-G-A.
Other names: c.3277C>T, p.Pro1093Ser (NM_001386339.1); c.3148C>T, p.Pro1050Ser (NM_001386342.1); short protein forms P1093S, P1050S.
Identifiers: ClinVar variation 1408893 (VCV001408893.6), dbSNP rs953467120, ClinGen allele CA217617370.